The following is an entry in ClinVar:

ClinVar aggregate classification (germline): Uncertain significance (1 of 4 stars; one submission).

gnomAD v4.1: 3 of 1,612,704 alleles (0.00019%); highest among the groups gnomAD compares: Admixed American, 0.005%; no homozygotes.

Submission:

Ambry Genetics
Classification: Uncertain significance. Last evaluated: 2024-10-04. Review status: criteria provided, single submitter. Criteria: Ambry Variant Classification Scheme 2023. Collection method: clinical testing. Allele origin: germline.
Comment: The p.S1262T variant (also known as c.3785G>C), located in coding exon 16 of the WNK2 gene, results from a G to C substitution at nucleotide position 3785. The serine at codon 1262 is replaced by threonine, an amino acid with similar properties. This amino acid position is conserved. In addition, this alteration is predicted to be tolerated by in silico analysis. Based on the available evidence, the clinical significance of this variant remains unclear.

NM_006648.4(WNK2):c.3785G>C (p.Ser1262Thr)

Gene: WNK2 (WNK lysine deficient protein kinase 2; plus strand). Cytogenetic location: 9q22.31.
Variant type: single nucleotide variant.
Coding change: c.3785G>C on transcript NM_006648.4 (MANE Select); coding-DNA position 3785, G replaced by C.
Protein change: p.Ser1262Thr; replaces serine 1262 with threonine.
Molecular consequence: missense variant.
Genome position (GRCh38, 1-based): chr9:93,267,834, G>C. VCF-style: chr9-93267834-G-C. GRCh37 (hg19) VCF-style: chr9-96030116-G-C.
Other names: c.3785G>C, p.Ser1262Thr (NM_001282394.3); short protein forms S1262T.
Identifiers: ClinVar variation 3470079 (VCV003470079.1).